The following is an entry in ClinVar:

NM_000059.4(BRCA2):c.8386C>T (p.Pro2796Ser)

Gene: BRCA2 (BRCA2 DNA repair associated; plus strand). Cytogenetic location: 13q13.1.
Variant type: single nucleotide variant.
Coding change: c.8386C>T on transcript NM_000059.4 (MANE Select); coding-DNA position 8386, C replaced by T.
Protein change: p.Pro2796Ser; replaces proline 2796 with serine.
Molecular consequence: missense variant.
Genome position (GRCh38, 1-based): chr13:32,370,456, C>T. VCF-style: chr13-32370456-C-T. GRCh37 (hg19) VCF-style: chr13-32944593-C-T.
Other names: 8614C>T; short protein forms P2796S.
Identifiers: ClinVar variation 91511 (VCV000091511.31), dbSNP rs146120136, ClinGen allele CA025620.

ClinVar aggregate classification (germline): Conflicting classifications of pathogenicity. Review status: criteria provided, conflicting classifications (1 of 4 stars). 12 submissions from 12 submitters: Uncertain significance (5); Benign (1); Likely benign (3). 3 of the submissions do not count toward it. Last evaluated 2025-12-24.

Conditions:
Hereditary breast ovarian cancer syndrome. Also called: Breast and ovarian cancer; Hereditary breast and ovarian cancer; Hereditary breast and ovarian cancer syndrome; BRCA1- and BRCA2-Associated Hereditary Breast and Ovarian Cancer; Hereditary breast and ovarian cancer syndrome (HBOC); Hereditary breast and/or ovarian cancer syndrome. Identifiers: Orphanet 145, MedGen C0677776, MeSH D061325, MONDO:0003582. Disease mechanism: loss of function.
Breast and/or ovarian cancer. Identifiers: MedGen CN221562.
Hereditary cancer-predisposing syndrome. Also called: Tumor predisposition; Hereditary Cancer Syndrome; Neoplastic Syndromes, Hereditary; Hereditary neoplastic syndrome. Identifiers: Orphanet 140162, MedGen C0027672, MeSH D009386, MONDO:0015356.
Familial cancer of breast. Also called: BREAST CANCER, FAMILIAL; hereditary breast carcinoma; Hereditary breast cancer. Identifiers: Orphanet 227535, MedGen C0346153, MONDO:0016419, OMIM 114480. Disease mechanism: loss of function.
Breast-ovarian cancer, familial, susceptibility to, 2 (BROVCA2). Also called: BRCA2 Hereditary Breast and Ovarian Cancer. Identifiers: Orphanet 145, MedGen C2675520, MONDO:0012933, OMIM 612555. Disease mechanism: loss of function.

Allele frequency attached by ClinVar (database versions not stated): ExAC 0.00002; gnomAD exomes 0.00002; TOPMed 0.00002; ESP Exome Variant Server 0.00008.
gnomAD v4.1: 28 of 1,613,960 alleles (0.0017%); highest among the groups gnomAD compares: African/African-American, 0.0053%; no homozygotes.

Submissions (12):

Labcorp Genetics (formerly Invitae), Labcorp
Classification: Likely benign for Hereditary breast ovarian cancer syndrome. Last evaluated: 2025-12-24. Review status: criteria provided, single submitter. Criteria: Invitae Variant Classification Sherloc (09022015). Collection method: clinical testing. Allele origin: germline.

Quest Diagnostics Nichols Institute San Juan Capistrano
Classification: Uncertain significance. Last evaluated: 2025-11-06. Review status: criteria provided, single submitter. Criteria: Quest Diagnostics criteria. Collection method: clinical testing. Allele origin: unknown.
Comment: The BRCA2 c.8386C>T (p.Pro2796Ser) variant has been reported in individuals with breast cancer (PMID: 30254663 (2018), 34011307 (2021), 33471991 (2021), see also LOVD) as well as a reportedly unaffected individual (PMID: 33471991 (2021), see also LOVD). This variant has also been reported to have no deleterious effect on BRCA2 mRNA splicing (PMID: 22505045 (2012)). The frequency of this variant in the general population, 0.000035 (4/113728 chromosomes), is uninformative in assessment of its pathogenicity. Analysis of this variant using bioinformatics tools for the prediction of the effect of amino acid changes on protein structure and function yielded predictions that this variant is benign. Based on the available information, we are unable to determine the clinical significance of this variant.

Institute for Biomarker Research, Medical Diagnostic Laboratories, L.L.C.
Classification: Uncertain significance for Hereditary breast ovarian cancer syndrome. Last evaluated: 2023-11-21. Review status: criteria provided, single submitter. Criteria: ACMG Guidelines, 2015. Collection method: clinical testing. Allele origin: germline.

Department of Pathology and Laboratory Medicine, Sinai Health System
Classification: Uncertain significance for Familial cancer of breast; Breast-ovarian cancer, familial, susceptibility to, 2. Last evaluated: 2023-11-20. Review status: criteria provided, single submitter. Criteria: ACMG Guidelines, 2015. Collection method: clinical testing. Allele origin: germline. Affected: yes.

Ambry Genetics
Classification: Likely benign for Hereditary cancer-predisposing syndrome. Last evaluated: 2019-03-26. Review status: criteria provided, single submitter. Criteria: Ambry Variant Classification Scheme 2023. Collection method: clinical testing. Allele origin: germline.

GeneDx
Classification: Likely benign. Last evaluated: 2018-12-26. Review status: criteria provided, single submitter. Criteria: GeneDx Variant Classification Process June 2021. Collection method: clinical testing. Allele origin: germline. Affected: yes.
Comment: This variant is associated with the following publications: (PMID: 25428789, 24094589, 22505045, 30254663, 30263092)

Women's Health and Genetics/Laboratory Corporation of America, LabCorp
Classification: Uncertain significance. Last evaluated: 2017-07-06. Review status: criteria provided, single submitter. Criteria: LabCorp Variant Classification Summary - May 2015. Collection method: clinical testing. Allele origin: germline.
Comment: Variant summary: The c.8386C>T (p.Pro2796Ser) in BRCA2 gene is a missense variant involves a non-conserved nucleotide and 3/5 in silico tools predict benign outcome. The variant is located within the close proximity to the second OB fold (OB2) of the 800-amino acid C-terminal ssDNA binding domain (DBD) of BRCA2, however no functional studies confirming an effect of this change on the protein function were published at the time of evaluation. The variant was proven to not affect splicing. The variant is present at a low frequencies in the control population datasets of ExAC and gnomAD (1.647e-05; 2/121408 and 4/246222 chrs tested, respectively). These frequencies do not exceed the maximal expected allele frequency for a disease causing allele in BRCA2 gene (0.000175). The variant has been reported in several affected individuals via published reports without strong evidence for causality. Lastly, several reputable databases/clinical laboratories have classified the variant as VUS/Likely Benign. Taken together, the variant was classified as VUS, until new information becomes available.

CHEO Genetics Diagnostic Laboratory, Children's Hospital of Eastern Ontario
Classification: Uncertain significance for Breast and/or ovarian cancer. Last evaluated: 2017-06-09. Review status: criteria provided, single submitter. Criteria: ACMG Guidelines, 2015. Collection method: clinical testing. Allele origin: germline. Study: Canadian Open Genetics Repository.

Color Diagnostics, LLC DBA Color Health
Classification: Benign for Hereditary cancer-predisposing syndrome. Last evaluated: 2016-04-26. Review status: criteria provided, single submitter. Criteria: ACMG Guidelines, 2015. Collection method: clinical testing. Allele origin: germline.

Department of Medical and Surgical Sciences, University of Bologna
Classification: Uncertain significance for Breast-ovarian cancer, familial, susceptibility to, 2. Last evaluated: 2023-09-01. Review status: no assertion criteria provided. Collection method: clinical testing. Allele origin: germline. Affected: yes. Not counted in ClinVar's aggregate classification.
Comment: BP5(Moderate) according to ACMG/AMP classification guidelines specified for BRCA1 & BRCA2 (Classification Criteria V1.0.0 2023-09-08) (PMID: 38160042)

Sharing Clinical Reports Project (SCRP)
Classification: Likely benign for Breast-ovarian cancer, familial 2. Last evaluated: 2011-04-19. Review status: no assertion criteria provided. Collection method: clinical testing. Allele origin: germline. Not counted in ClinVar's aggregate classification.

Foulkes Cancer Genetics LDI, Lady Davis Institute for Medical Research
Classification: Uncertain significance for Breast and/or ovarian cancer. Review status: no assertion criteria provided. Collection method: clinical testing. Allele origin: germline. Study: The Canadian Open Genetics Repository (COGR). Not counted in ClinVar's aggregate classification.

Literature cited by the submitters: PubMed 29641532 (cited by Quest Diagnostics Nichols Institute San Juan Capistrano); PubMed 34011307 (cited by Quest Diagnostics Nichols Institute San Juan Capistrano and Department of Pathology and Laboratory Medicine, Sinai Health System); PubMed 30254663 (cited by Quest Diagnostics Nichols Institute San Juan Capistrano); PubMed 22505045 (cited by Quest Diagnostics Nichols Institute San Juan Capistrano and Women's Health and Genetics/Laboratory Corporation of America, LabCorp); PubMed 30263092 (cited by Quest Diagnostics Nichols Institute San Juan Capistrano); PubMed 33471991 (cited by Quest Diagnostics Nichols Institute San Juan Capistrano); PubMed 24094589 (cited by Women's Health and Genetics/Laboratory Corporation of America, LabCorp); PubMed 25428789 (cited by Women's Health and Genetics/Laboratory Corporation of America, LabCorp).